The following is an entry in ClinVar:

ClinVar aggregate classification (germline): Uncertain significance. Review status: criteria provided, multiple submitters, no conflicts (2 of 4 stars). 3 submissions from 3 submitters: Uncertain significance (3). Last evaluated 2026-01-08.

Conditions:
Hereditary cancer-predisposing syndrome. Also called: Neoplastic Syndromes, Hereditary; Hereditary neoplastic syndrome; Tumor predisposition; Hereditary Cancer Syndrome. Identifiers: Orphanet 140162, MedGen C0027672, MeSH D009386, MONDO:0015356.
Colorectal cancer, susceptibility to, 12 (CRCS12). Also called: COLORECTAL CANCER, SUSCEPTIBILITY TO, ON CHROMOSOME 12q24. Identifiers: Orphanet 220460, MedGen C3554460, MONDO:0014038, OMIM 615083.

Allele frequency attached by ClinVar (database versions not stated): gnomAD exomes below 0.00001; TOPMed below 0.00001.
gnomAD v4.1: 1 of 1,609,546 alleles (0.000062%); highest among the groups gnomAD compares: Non-Finnish European, 0.000085%; no homozygotes.

Submissions (3):

Ambry Genetics
Classification: Uncertain significance for Hereditary cancer-predisposing syndrome. Last evaluated: 2026-01-08. Review status: criteria provided, single submitter. Criteria: Ambry Variant Classification Scheme 2023. Collection method: clinical testing. Allele origin: germline.
Comment: The p.I485V variant (also known as c.1453A>G), located in coding exon 14 of the POLE gene, results from an A to G substitution at nucleotide position 1453. The isoleucine at codon 485 is replaced by valine, an amino acid with highly similar properties. This amino acid position is highly conserved in available vertebrate species. In addition, the in silico prediction for this alteration is inconclusive. Based on the available evidence, the clinical significance of this variant remains unclear.

Labcorp Genetics (formerly Invitae), Labcorp
Classification: Uncertain significance. Last evaluated: 2025-11-19. Review status: criteria provided, single submitter. Criteria: Invitae Variant Classification Sherloc (09022015). Collection method: clinical testing. Allele origin: germline.
Comment: This sequence change replaces isoleucine, which is neutral and non-polar, with valine, which is neutral and non-polar, at codon 485 of the POLE protein (p.Ile485Val). This variant is not present in population databases (gnomAD no frequency). This variant has not been reported in the literature in individuals affected with POLE-related conditions. ClinVar contains an entry for this variant (Variation ID: 650066). Invitae Evidence Modeling of protein sequence and biophysical properties (such as structural, functional, and spatial information, amino acid conservation, physicochemical variation, residue mobility, and thermodynamic stability) indicates that this missense variant is not expected to disrupt POLE protein function with a negative predictive value of 80%. In summary, the available evidence is currently insufficient to determine the role of this variant in disease. Therefore, it has been classified as a Variant of Uncertain Significance.

Baylor Genetics
Classification: Uncertain significance for Colorectal cancer, susceptibility to, 12. Last evaluated: 2023-10-09. Review status: criteria provided, single submitter. Criteria: ACMG Guidelines, 2015. Collection method: clinical testing. Allele origin: unknown.

NM_006231.4(POLE):c.1453A>G (p.Ile485Val)

Gene: POLE (DNA polymerase epsilon, catalytic subunit; minus strand). Cytogenetic location: 12q24.33.
Variant type: single nucleotide variant.
Coding change: c.1453A>G on transcript NM_006231.4 (MANE Select); coding-DNA position 1453, A replaced by G.
Protein change: p.Ile485Val; replaces isoleucine 485 with valine.
Molecular consequence: missense variant.
Genome position (GRCh38, 1-based): chr12:132,673,184, T>C on the plus strand (A>G on the coding strand, the complement: POLE is on the minus strand). VCF-style: chr12-132673184-T-C. GRCh37 (hg19) VCF-style: chr12-133249770-T-C.
Other names: short protein forms I485V.
Identifiers: ClinVar variation 650066 (VCV000650066.11), dbSNP rs1593072187, ClinGen allele CA387358161.